The following is an entry in ClinVar:

NM_001270508.2(TNFAIP3):c.1505G>A (p.Arg502Gln)

Gene: TNFAIP3 (TNF alpha induced protein 3; plus strand). Cytogenetic location: 6q23.3.
Variant type: single nucleotide variant.
Coding change: c.1505G>A on transcript NM_001270508.2 (MANE Select); coding-DNA position 1505, G replaced by A.
Protein change: p.Arg502Gln; replaces arginine 502 with glutamine.
Molecular consequence: missense variant.
Genome position (GRCh38, 1-based): chr6:137,878,950, G>A. VCF-style: chr6-137878950-G-A. GRCh37 (hg19) VCF-style: chr6-138200087-G-A.
Other names: c.1505G>A, p.Arg502Gln (NM_001270507.2, NM_006290.4); short protein forms R502Q.
Identifiers: ClinVar variation 1907682 (VCV001907682.6), dbSNP rs150513567, ClinGen allele CA4019655.

ClinVar aggregate classification (germline): Uncertain significance. Review status: criteria provided, multiple submitters, no conflicts (2 of 4 stars). 2 submissions from 2 submitters: Uncertain significance (2). Last evaluated 2023-11-22.

Conditions:
Inborn genetic diseases. Identifiers: MedGen C0950123, MeSH D030342.

Allele frequency attached by ClinVar (database versions not stated): ExAC 0.00002; gnomAD 0.00002; gnomAD exomes 0.00003; TOPMed 0.00003; ESP Exome Variant Server 0.00008.
gnomAD v4.1: 41 of 1,614,028 alleles (0.0025%); highest among the groups gnomAD compares: Non-Finnish European, 0.0032%; no homozygotes.

Submissions (2):

Labcorp Genetics (formerly Invitae), Labcorp
Classification: Uncertain significance. Last evaluated: 2023-11-22. Review status: criteria provided, single submitter. Criteria: Invitae Variant Classification Sherloc (09022015). Collection method: clinical testing. Allele origin: germline.
Comment: This sequence change replaces arginine, which is basic and polar, with glutamine, which is neutral and polar, at codon 502 of the TNFAIP3 protein (p.Arg502Gln). This variant is present in population databases (rs150513567, gnomAD 0.005%). This variant has not been reported in the literature in individuals affected with TNFAIP3-related conditions. ClinVar contains an entry for this variant (Variation ID: 1907682). Advanced modeling of protein sequence and biophysical properties (such as structural, functional, and spatial information, amino acid conservation, physicochemical variation, residue mobility, and thermodynamic stability) performed at Invitae indicates that this missense variant is not expected to disrupt TNFAIP3 protein function with a negative predictive value of 80%. In summary, the available evidence is currently insufficient to determine the role of this variant in disease. Therefore, it has been classified as a Variant of Uncertain Significance.

Ambry Genetics
Classification: Uncertain significance for Inborn genetic diseases. Last evaluated: 2022-04-25. Review status: criteria provided, single submitter. Criteria: Ambry Variant Classification Scheme 2023. Collection method: clinical testing. Allele origin: germline.